The following is an entry in ClinVar:

NM_001999.4(FBN2):c.4511G>C (p.Gly1504Ala)

Gene: FBN2 (fibrillin 2; minus strand). Cytogenetic location: 5q23.3.
Variant type: single nucleotide variant.
Coding change: c.4511G>C on transcript NM_001999.4 (MANE Select); coding-DNA position 4511, G replaced by C.
Protein change: p.Gly1504Ala; replaces glycine 1504 with alanine.
Molecular consequence: missense variant.
Genome position (GRCh38, 1-based): chr5:128,318,962, C>G on the plus strand (G>C on the coding strand, the complement: FBN2 is on the minus strand). VCF-style: chr5-128318962-C-G. GRCh37 (hg19) VCF-style: chr5-127654654-C-G.
Other names: short protein forms G1504A.
Identifiers: ClinVar variation 4871269 (VCV004871269.1).
Genomic context (GRCh38, chr5:128,318,962, plus strand): 5'-TCCAATTCATAACCATCATCGCAGATGCAATGAAACATTCCAGGCAGGTTATTACATGTT[C>G]CAAAGACACAAATGTTTTGGAAGGAGCATTCATCAATATCTGAAGATTTTAAAAAAAAGT-3'
Protein context (NP_001990.2, residues 1494-1514): ECSFQNICVF[Gly1504Ala]TCNNLPGMFH

ClinVar aggregate classification (germline): Uncertain significance (1 of 4 stars; one submission).

Conditions:
Familial thoracic aortic aneurysm and aortic dissection (TAAD). Also called: Thoracic aortic aneurysms and dissections. Identifiers: Orphanet 91387, MedGen C4707243, MONDO:0019625.

gnomAD v4.1: 6 of 1,611,376 alleles (0.00037%); highest among the groups gnomAD compares: Non-Finnish European, 0.00034%; no homozygotes.

Submission:

Ambry Genetics
Classification: Uncertain significance for Familial thoracic aortic aneurysm and aortic dissection. Last evaluated: 2026-06-09. Review status: criteria provided, single submitter. Criteria: Ambry Variant Classification Scheme 2023. Collection method: clinical testing. Allele origin: germline.
Comment: The p.G1504A variant (also known as c.4511G>C), located in coding exon 35 of the FBN2 gene, results from a G to C substitution at nucleotide position 4511. The glycine at codon 1504 is replaced by alanine, an amino acid with similar properties. This amino acid position is conserved. In addition, this alteration is predicted to be deleterious by in silico analysis. Based on the available evidence, the clinical significance of this variant remains unclear.